The following is an entry in ClinVar:

ClinVar aggregate classification (germline): Uncertain significance. Review status: criteria provided, multiple submitters, no conflicts (2 of 4 stars). 2 submissions from 2 submitters: Uncertain significance (2). Last evaluated 2022-12-03.

Conditions:
Inborn genetic diseases. Identifiers: MedGen C0950123, MeSH D030342.
Mosaic variegated aneuploidy syndrome 1 (MVA1). Also called: Warburton-Anyane-Yeboa syndrome. Identifiers: Orphanet 1052, MedGen C1850343, MONDO:0009759, OMIM 257300.

Submissions (2):

Ambry Genetics
Classification: Uncertain significance for Inborn genetic diseases. Last evaluated: 2022-12-03. Review status: criteria provided, single submitter. Criteria: Ambry Variant Classification Scheme 2023. Collection method: clinical testing. Allele origin: germline.
Comment: The p.V274I variant (also known as c.820G>A), located in coding exon 7 of the BUB1B gene, results from a G to A substitution at nucleotide position 820. The valine at codon 274 is replaced by isoleucine, an amino acid with highly similar properties. This amino acid position is conserved. In addition, this alteration is predicted to be tolerated by in silico analysis. Since supporting evidence is limited at this time, the clinical significance of this alteration remains unclear.

Labcorp Genetics (formerly Invitae), Labcorp
Classification: Uncertain significance for Mosaic variegated aneuploidy syndrome 1. Last evaluated: 2019-08-03. Review status: criteria provided, single submitter. Criteria: Invitae Variant Classification Sherloc (09022015). Collection method: clinical testing. Allele origin: germline.
Comment: In summary, the available evidence is currently insufficient to determine the role of this variant in disease. Therefore, it has been classified as a Variant of Uncertain Significance. Algorithms developed to predict the effect of missense changes on protein structure and function output the following: SIFT: "Tolerated"; PolyPhen-2: "Benign"; Align-GVGD: "Class C0". The isoleucine amino acid residue is found in multiple mammalian species, suggesting that this missense change does not adversely affect protein function. These predictions have not been confirmed by published functional studies and their clinical significance is uncertain. This variant has not been reported in the literature in individuals with BUB1B-related conditions. This variant is not present in population databases (ExAC no frequency). This sequence change replaces valine with isoleucine at codon 274 of the BUB1B protein (p.Val274Ile). The valine residue is moderately conserved and there is a small physicochemical difference between valine and isoleucine.

NM_001211.6(BUB1B):c.820G>A (p.Val274Ile)

Gene: BUB1B (BUB1 mitotic checkpoint serine/threonine kinase B; plus strand). Cytogenetic location: 15q15.1.
Variant type: single nucleotide variant.
Coding change: c.820G>A on transcript NM_001211.6 (MANE Select); coding-DNA position 820, G replaced by A.
Protein change: p.Val274Ile; replaces valine 274 with isoleucine.
Molecular consequence: missense variant.
Genome position (GRCh38, 1-based): chr15:40,185,233, G>A. VCF-style: chr15-40185233-G-A. GRCh37 (hg19) VCF-style: chr15-40477434-G-A.
Other names: short protein forms V274I.
Identifiers: ClinVar variation 963956 (VCV000963956.13), dbSNP rs2037344658, ClinGen allele CA391684168.